The following is an entry in ClinVar:

ClinVar aggregate classification (germline): Benign (1 of 4 stars; one submission).

Allele frequency attached by ClinVar (database versions not stated): gnomAD exomes below 0.00001 and 0.00001; gnomAD 0.00003; ExAC 0.00005; 1000 Genomes Project 30x 0.00016; 1000 Genomes Project 0.00020.
gnomAD v4.1: 5 of 1,525,324 alleles (0.00033%); highest among the groups gnomAD compares: African/African-American, 0.0069%; no homozygotes.

Submission:

GeneDx
Classification: Benign. Last evaluated: 2015-04-09. Review status: criteria provided, single submitter. Criteria: GeneDx Variant Classification (06012015). Collection method: clinical testing. Allele origin: germline. Affected: yes.
Comment: This variant is considered likely benign or benign based on one or more of the following criteria: it is a conservative change, it occurs at a poorly conserved position in the protein, it is predicted to be benign by multiple in silico algorithms, and/or has population frequency not consistent with disease.

NM_000455.5(STK11):c.-49A>C

Gene: STK11 (serine/threonine kinase 11; plus strand). Cytogenetic location: 19p13.3.
Variant type: single nucleotide variant.
Coding change: c.-49A>C on transcript NM_000455.5 (MANE Select); 49 bases upstream of the start codon, A replaced by C.
Molecular consequence: 5 prime UTR variant.
Genome position (GRCh38, 1-based): chr19:1,206,865, A>C. VCF-style: chr19-1206865-A-C. GRCh37 (hg19) VCF-style: chr19-1206864-A-C.
Identifiers: ClinVar variation 379512 (VCV000379512.1), dbSNP rs549974432, ClinGen allele CA047970.